The following is an entry in ClinVar:

ClinVar aggregate classification (germline): Uncertain significance (1 of 4 stars; one submission).

Conditions:
Retinoblastoma (RB1). Also called: RETINOBLASTOMA, SOMATIC. Identifiers: Orphanet 790, MedGen C0035335, MeSH D012175, MONDO:0008380, OMIM 180200, HP:0009919. Disease mechanism: loss of function. Inheritance: Both sporadic and heritable forms are tested..

Submission:

Labcorp Genetics (formerly Invitae), Labcorp
Classification: Uncertain significance for Retinoblastoma. Last evaluated: 2024-07-16. Review status: criteria provided, single submitter. Criteria: Invitae Variant Classification Sherloc (09022015). Collection method: clinical testing. Allele origin: germline.
Comment: This variant occurs in a non-coding region of the RB1 gene. It does not change the encoded amino acid sequence of the RB1 protein. This variant is not present in population databases (gnomAD no frequency). This variant has not been reported in the literature in individuals affected with RB1-related conditions. Experimental studies and prediction algorithms are not available or were not evaluated, and the functional significance of this variant is currently unknown. In summary, the available evidence is currently insufficient to determine the role of this variant in disease. Therefore, it has been classified as a Variant of Uncertain Significance.

NC_000013.11:g.48303734G>C

Gene: RB1 (RB transcriptional corepressor 1; plus strand). Cytogenetic location: 13q14.2.
Variant type: single nucleotide variant.
Genome position: GRCh38 VCF-style: chr13-48303734-G-C. GRCh37 (hg19) VCF-style: chr13-48877870-G-C.
Identifiers: ClinVar variation 3671457 (VCV003671457.2).